The following is an entry in ClinVar:

NM_020949.3(SLC7A14):c.2241G>A (p.Ala747=)

Gene: SLC7A14 (solute carrier family 7 member 14; minus strand). Cytogenetic location: 3q26.2.
Variant type: single nucleotide variant.
Coding change: c.2241G>A on transcript NM_020949.3 (MANE Select); coding-DNA position 2241, G replaced by A.
Protein change: p.Ala747=; no amino-acid change (alanine 747 retained).
Molecular consequence: synonymous variant.
Genome position (GRCh38, 1-based): chr3:170,467,130, C>T on the plus strand (G>A on the coding strand, the complement: SLC7A14 is on the minus strand). VCF-style: chr3-170467130-C-T. GRCh37 (hg19) VCF-style: chr3-170184918-C-T.
Other names: c.2241G>A (NM_020949.2).
Identifiers: ClinVar variation 1160840 (VCV001160840.12), dbSNP rs146830635, ClinGen allele CA2701472.

ClinVar aggregate classification (germline): Likely benign. Review status: criteria provided, multiple submitters, no conflicts (2 of 4 stars). 3 submissions from 3 submitters: Likely benign (2). 1 of the submissions does not count toward it. Last evaluated 2025-12-28.

Conditions:
SLC7A14-related disorder. Also called: SLC7A14-related condition.

Allele frequency attached by ClinVar (database versions not stated): gnomAD exomes 0.00005 and 0.00009; ExAC 0.00012; gnomAD 0.00023 and 0.00024; TOPMed 0.00028; 1000 Genomes Project 30x 0.00031; ESP Exome Variant Server 0.00031; 1000 Genomes Project 0.00040.
gnomAD v4.1: 106 of 1,614,238 alleles (0.0066%); highest among the groups gnomAD compares: African/African-American, 0.081%; no homozygotes.

Submissions (3):

Labcorp Genetics (formerly Invitae), Labcorp
Classification: Likely benign. Last evaluated: 2025-12-28. Review status: criteria provided, single submitter. Criteria: Invitae Variant Classification Sherloc (09022015). Collection method: clinical testing. Allele origin: germline.

Blueprint Genetics
Classification: Likely benign. Last evaluated: 2024-10-30. Review status: criteria provided, single submitter. Criteria: ACMG Guidelines, 2015. Collection method: clinical testing. Allele origin: germline.

PreventionGenetics, part of Exact Sciences
Classification: Likely benign for SLC7A14-related condition. Last evaluated: 2019-08-29. Review status: no assertion criteria provided. Collection method: clinical testing. Allele origin: germline. Not counted in ClinVar's aggregate classification.
Comment: This variant is classified as likely benign based on ACMG/AMP sequence variant interpretation guidelines (Richards et al. 2015 PMID: 25741868, with internal and published modifications).